The following is an entry in ClinVar:

NM_012470.4(TNPO3):c.307G>A (p.Val103Ile)

Gene: TNPO3 (transportin 3; minus strand). Cytogenetic location: 7q32.1.
Variant type: single nucleotide variant.
Coding change: c.307G>A on transcript NM_012470.4 (MANE Select); coding-DNA position 307, G replaced by A.
Protein change: p.Val103Ile; replaces valine 103 with isoleucine.
Molecular consequence: missense variant. On other transcripts: non-coding transcript variant (18).
Genome position (GRCh38, 1-based): chr7:129,017,971, C>T on the plus strand (G>A on the coding strand, the complement: TNPO3 is on the minus strand). VCF-style: chr7-129017971-C-T. GRCh37 (hg19) VCF-style: chr7-128658025-C-T.
Other names: c.307G>A, p.Val103Ile (NM_001191028.3, NM_001382216.1, NM_001382217.1 and 6 more transcripts); c.307G>A (NM_012470.3); short protein forms V103I.
Identifiers: ClinVar variation 2073614 (VCV002073614.5), dbSNP rs1804036437, ClinGen allele CA369248180.
Genomic context (GRCh38, chr7:129,017,971, plus strand): 5'-TCCAAATGGCCATACAAATTTCTCTAATGAGAAGCACAGGATTTACCTGCGTTACAATAA[C>T]AGGTGACAAGTCTTTCAAGTTCTGGATATGGGTTAGCAATGAGTCCCGTAAAGAGGCATG-3'
Protein context (NP_036602.1, residues 93-113): HIQNLKDLSP[Val103Ile]IVTQLALAIA

ClinVar aggregate classification (germline): Uncertain significance. Review status: criteria provided, multiple submitters, no conflicts (2 of 4 stars). 2 submissions from 2 submitters: Uncertain significance (2). Last evaluated 2025-06-10.

Conditions:
Autosomal dominant limb-girdle muscular dystrophy type 1F (LGMDD2). Also called: Limb-girdle muscular dystrophy, type 1F; MUSCULAR DYSTROPHY, LIMB-GIRDLE, AUTOSOMAL DOMINANT 2. Identifiers: Orphanet 55595, MedGen C1842062, MONDO:0012034, OMIM 608423.
Inborn genetic diseases. Identifiers: MedGen C0950123, MeSH D030342.

Allele frequency attached by ClinVar (database versions not stated): gnomAD exomes 0.00001.
gnomAD v4.1: 13 of 1,614,092 alleles (0.00081%); highest among the groups gnomAD compares: Non-Finnish European, 0.001%; no homozygotes.

Submissions (2):

Labcorp Genetics (formerly Invitae), Labcorp
Classification: Uncertain significance for Autosomal dominant limb-girdle muscular dystrophy type 1F. Last evaluated: 2025-06-10. Review status: criteria provided, single submitter. Criteria: Invitae Variant Classification Sherloc (09022015). Collection method: clinical testing. Allele origin: germline.
Comment: This sequence change replaces valine, which is neutral and non-polar, with isoleucine, which is neutral and non-polar, at codon 103 of the TNPO3 protein (p.Val103Ile). This variant is not present in population databases (gnomAD no frequency). This variant has not been reported in the literature in individuals affected with TNPO3-related conditions. ClinVar contains an entry for this variant (Variation ID: 2073614). Invitae Evidence Modeling of protein sequence and biophysical properties (such as structural, functional, and spatial information, amino acid conservation, physicochemical variation, residue mobility, and thermodynamic stability) indicates that this missense variant is not expected to disrupt TNPO3 protein function with a negative predictive value of 80%. In summary, the available evidence is currently insufficient to determine the role of this variant in disease. Therefore, it has been classified as a Variant of Uncertain Significance.

Ambry Genetics
Classification: Uncertain significance for Inborn genetic diseases. Last evaluated: 2025-03-28. Review status: criteria provided, single submitter. Criteria: Ambry Variant Classification Scheme 2023. Collection method: clinical testing. Allele origin: germline.